The following is an entry in ClinVar:

NM_138395.4(MARS2):c.928A>G (p.Lys310Glu)

Gene: MARS2 (methionyl-tRNA synthetase 2, mitochondrial; plus strand). Cytogenetic location: 2q33.1.
Variant type: single nucleotide variant.
Coding change: c.928A>G on transcript NM_138395.4 (MANE Select); coding-DNA position 928, A replaced by G.
Protein change: p.Lys310Glu; replaces lysine 310 with glutamic acid.
Molecular consequence: missense variant.
Genome position (GRCh38, 1-based): chr2:197,706,333, A>G. VCF-style: chr2-197706333-A-G. GRCh37 (hg19) VCF-style: chr2-198571057-A-G.
Other names: short protein forms K310E.
Identifiers: ClinVar variation 1027711 (VCV001027711.1), dbSNP rs771207265, ClinGen allele CA350213393.

ClinVar aggregate classification (germline): Uncertain significance (1 of 4 stars; one submission).

Conditions:
Combined oxidative phosphorylation defect type 25. Also called: Combined oxidative phosphorylation deficiency 25. Identifiers: Orphanet 447954, MedGen C5567742, MONDO:0014636, OMIM 616430.

Submission:

Baylor Genetics
Classification: Uncertain significance for Combined oxidative phosphorylation defect type 25. Last evaluated: 2019-11-15. Review status: criteria provided, single submitter. Criteria: ACMG Guidelines, 2015. Collection method: clinical testing. Allele origin: paternal. Affected: yes.
Comment: This variant was determined to be of uncertain significance according to ACMG Guidelines, 2015 [PMID:25741868].